The following is an entry in ClinVar:

ClinVar aggregate classification (germline): Uncertain significance (1 of 4 stars; one submission).

Conditions:
Hereditary cancer-predisposing syndrome. Also called: Neoplastic Syndromes, Hereditary; Hereditary Cancer Syndrome; Hereditary neoplastic syndrome; Tumor predisposition. Identifiers: Orphanet 140162, MedGen C0027672, MeSH D009386, MONDO:0015356.

Submission:

Ambry Genetics
Classification: Uncertain significance for Hereditary cancer-predisposing syndrome. Last evaluated: 2023-03-26. Review status: criteria provided, single submitter. Criteria: Ambry Variant Classification Scheme 2023. Collection method: clinical testing. Allele origin: germline.
Comment: The p.Y476C variant (also known as c.1427A>G), located in coding exon 12 of the MRE11A gene, results from an A to G substitution at nucleotide position 1427. The tyrosine at codon 476 is replaced by cysteine, an amino acid with highly dissimilar properties. This amino acid position is conserved. In addition, the in silico prediction for this alteration is inconclusive. Since supporting evidence is limited at this time, the clinical significance of this alteration remains unclear.

NM_005591.4(MRE11):c.1427A>G (p.Tyr476Cys)

Gene: MRE11 (MRE11 double strand break repair nuclease; minus strand). Cytogenetic location: 11q21.
Variant type: single nucleotide variant.
Coding change: c.1427A>G on transcript NM_005591.4 (MANE Select); coding-DNA position 1427, A replaced by G.
Protein change: p.Tyr476Cys; replaces tyrosine 476 with cysteine.
Molecular consequence: missense variant.
Genome position (GRCh38, 1-based): chr11:94,459,481, T>C on the plus strand (A>G on the coding strand, the complement: MRE11 is on the minus strand). VCF-style: chr11-94459481-T-C. GRCh37 (hg19) VCF-style: chr11-94192647-T-C.
Other names: c.1427A>G, p.Tyr476Cys (NM_001330347.2, NM_005590.4); short protein forms Y476C.
Identifiers: ClinVar variation 2565891 (VCV002565891.2), dbSNP rs2496385569, ClinGen allele CA382371836.